The following is an entry in ClinVar:

ClinVar aggregate classification (germline): Uncertain significance. Review status: criteria provided, multiple submitters, no conflicts (2 of 4 stars). 6 submissions from 6 submitters: Uncertain significance (6). Last evaluated 2025-07-21.

Conditions:
Hereditary cancer-predisposing syndrome. Also called: Tumor predisposition; Neoplastic Syndromes, Hereditary; Hereditary Cancer Syndrome; Hereditary neoplastic syndrome. Identifiers: Orphanet 140162, MedGen C0027672, MeSH D009386, MONDO:0015356.
Breast and/or ovarian cancer. Identifiers: MedGen CN221562.
Familial cancer of breast. Also called: Hereditary breast cancer; BREAST CANCER, FAMILIAL; hereditary breast carcinoma. Identifiers: Orphanet 227535, MedGen C0346153, MONDO:0016419, OMIM 114480. Disease mechanism: loss of function.
Ataxia-telangiectasia syndrome (AT). Also called: ATAXIA-TELANGIECTASIA, COMPLEMENTATION GROUP A; ATAXIA-TELANGIECTASIA, FRESNO VARIANT; Ataxia-telangiectasia; Ataxia-telangiectasia, complementation group D; AT, COMPLEMENTATION GROUP C; Ataxia-telangiectasia, complementation group E. Identifiers: Orphanet 100, MedGen C0004135, MONDO:0008840, OMIM 208900.

Allele frequency attached by ClinVar (database versions not stated): gnomAD exomes below 0.00001.
gnomAD v4.1: 1 of 1,613,266 alleles (0.000062%); highest among the groups gnomAD compares: Non-Finnish European, 0.000085%; no homozygotes.

Submissions (6):

Labcorp Genetics (formerly Invitae), Labcorp
Classification: Uncertain significance for Ataxia-telangiectasia syndrome. Last evaluated: 2025-07-21. Review status: criteria provided, single submitter. Criteria: Invitae Variant Classification Sherloc (09022015). Collection method: clinical testing. Allele origin: germline.
Comment: This sequence change replaces valine, which is neutral and non-polar, with leucine, which is neutral and non-polar, at codon 2620 of the ATM protein (p.Val2620Leu). This variant is not present in population databases (gnomAD no frequency). This variant has not been reported in the literature in individuals affected with ATM-related conditions. ClinVar contains an entry for this variant (Variation ID: 827290). Invitae Evidence Modeling of protein sequence and biophysical properties (such as structural, functional, and spatial information, amino acid conservation, physicochemical variation, residue mobility, and thermodynamic stability) indicates that this missense variant is not expected to disrupt ATM protein function with a negative predictive value of 95%. In summary, the available evidence is currently insufficient to determine the role of this variant in disease. Therefore, it has been classified as a Variant of Uncertain Significance.

Ambry Genetics
Classification: Uncertain significance for Hereditary cancer-predisposing syndrome. Last evaluated: 2024-10-11. Review status: criteria provided, single submitter. Criteria: Ambry Variant Classification Scheme 2023. Collection method: clinical testing. Allele origin: germline.
Comment: The p.V2620L variant (also known as c.7858G>C), located in coding exon 52 of the ATM gene, results from a G to C substitution at nucleotide position 7858. The valine at codon 2620 is replaced by leucine, an amino acid with highly similar properties. This amino acid position is not well conserved in available vertebrate species. In addition, this alteration is predicted to be tolerated by in silico analysis. Based on the available evidence, the clinical significance of this variant remains unclear.

Fulgent Genetics
Classification: Uncertain significance for Familial cancer of breast; Ataxia-telangiectasia syndrome. Last evaluated: 2024-03-09. Review status: criteria provided, single submitter. Criteria: ACMG Guidelines, 2015. Collection method: clinical testing. Allele origin: germline.

Color Diagnostics, LLC DBA Color Health
Classification: Uncertain significance for Hereditary cancer-predisposing syndrome. Last evaluated: 2024-03-06. Review status: criteria provided, single submitter. Criteria: ACMG Guidelines, 2015. Collection method: clinical testing. Allele origin: germline.
Comment: This missense variant replaces valine with leucine at codon 2620 of the ATM protein. Computational prediction suggests that this variant may not impact protein structure and function (internally defined REVEL score threshold <= 0.5, PMID: 27666373). To our knowledge, functional studies have not been reported for this variant. This variant has not been reported in individuals affected with hereditary cancer in the literature. This variant has not been identified in the general population by the Genome Aggregation Database (gnomAD). The available evidence is insufficient to determine the role of this variant in disease conclusively. Therefore, this variant is classified as a Variant of Uncertain Significance.

Baylor Genetics
Classification: Uncertain significance for Familial cancer of breast. Last evaluated: 2023-07-14. Review status: criteria provided, single submitter. Criteria: ACMG Guidelines, 2015. Collection method: clinical testing. Allele origin: unknown.

CHEO Genetics Diagnostic Laboratory, Children's Hospital of Eastern Ontario
Classification: Uncertain significance for Breast and/or ovarian cancer. Last evaluated: 2023-06-01. Review status: criteria provided, single submitter. Criteria: ACMG Guidelines, 2015. Collection method: clinical testing. Allele origin: germline.

NM_000051.4(ATM):c.7858G>C (p.Val2620Leu)

Genes: ATM (ATM serine/threonine kinase; plus strand), C11orf65 (chromosome 11 open reading frame 65; minus strand). Cytogenetic location: 11q22.3.
Variant type: single nucleotide variant.
Coding change: c.7858G>C on transcript NM_000051.4 (MANE Select); coding-DNA position 7858, G replaced by C.
Protein change: p.Val2620Leu; replaces valine 2620 with leucine.
Molecular consequence: missense variant. On other transcripts: intron variant (2).
Genome position (GRCh38, 1-based): chr11:108,332,831, G>C. VCF-style: chr11-108332831-G-C. GRCh37 (hg19) VCF-style: chr11-108203558-G-C.
Other names: c.7858G>C, p.Val2620Leu (NM_001351834.2); c.641-23760C>G (NM_001330368.2); c.*38+2389C>G (NM_001351110.2); short protein forms V2620L.
Identifiers: ClinVar variation 827290 (VCV000827290.22), dbSNP rs1427723678, ClinGen allele CA382561387.